The following is an entry in ClinVar:

ClinVar aggregate classification (germline): Uncertain significance (1 of 4 stars; one submission).

Conditions:
Birt-Hogg-Dube syndrome. Also called: Birt Hogg Dubé syndrome. Identifiers: Orphanet 122, MedGen C0346010, MONDO:0800444.

Submission:

Labcorp Genetics (formerly Invitae), Labcorp
Classification: Uncertain significance for Birt-Hogg-Dube syndrome. Last evaluated: 2023-05-23. Review status: criteria provided, single submitter. Criteria: Invitae Variant Classification Sherloc (09022015). Collection method: clinical testing. Allele origin: germline.
Comment: In summary, the available evidence is currently insufficient to determine the role of this variant in disease. Therefore, it has been classified as a Variant of Uncertain Significance. Advanced modeling of protein sequence and biophysical properties (such as structural, functional, and spatial information, amino acid conservation, physicochemical variation, residue mobility, and thermodynamic stability) performed at Invitae indicates that this missense variant is expected to disrupt FLCN protein function. ClinVar contains an entry for this variant (Variation ID: 846633). This variant has not been reported in the literature in individuals affected with FLCN-related conditions. This variant is not present in population databases (gnomAD no frequency). This sequence change replaces glycine, which is neutral and non-polar, with glutamic acid, which is acidic and polar, at codon 419 of the FLCN protein (p.Gly419Glu).

NM_144997.7(FLCN):c.1256G>A (p.Gly419Glu)

Gene: FLCN (folliculin; minus strand). Cytogenetic location: 17p11.2.
Variant type: single nucleotide variant.
Coding change: c.1256G>A on transcript NM_144997.7 (MANE Select); coding-DNA position 1256, G replaced by A.
Protein change: p.Gly419Glu; replaces glycine 419 with glutamic acid.
Molecular consequence: missense variant.
Genome position (GRCh38, 1-based): chr17:17,216,424, C>T on the plus strand (G>A on the coding strand, the complement: FLCN is on the minus strand). VCF-style: chr17-17216424-C-T. GRCh37 (hg19) VCF-style: chr17-17119738-C-T.
Other names: c.1310G>A, p.Gly437Glu (NM_001353229.2); c.1256G>A, p.Gly419Glu (NM_001353230.2, NM_001353231.2); short protein forms G419E, G437E.
Identifiers: ClinVar variation 846633 (VCV000846633.7), dbSNP rs755177473, ClinGen allele CA398531725.